The following is an entry in ClinVar:

NM_006904.7(PRKDC):c.11276G>A (p.Arg3759Gln)

Gene: PRKDC (protein kinase, DNA-activated, catalytic subunit; minus strand). Cytogenetic location: 8q11.21.
Variant type: single nucleotide variant.
Coding change: c.11276G>A on transcript NM_006904.7 (MANE Select); coding-DNA position 11276, G replaced by A.
Protein change: p.Arg3759Gln; replaces arginine 3759 with glutamine.
Molecular consequence: missense variant.
Genome position (GRCh38, 1-based): chr8:47,782,498, C>T on the plus strand (G>A on the coding strand, the complement: PRKDC is on the minus strand). VCF-style: chr8-47782498-C-T. GRCh37 (hg19) VCF-style: chr8-48695059-C-T.
Other names: c.11276G>A, p.Arg3759Gln (NM_001081640.2); short protein forms R3759Q.
Identifiers: ClinVar variation 659902 (VCV000659902.4), dbSNP rs745385113, ClinGen allele CA4739128.

ClinVar aggregate classification (germline): Uncertain significance. Review status: criteria provided, multiple submitters, no conflicts (2 of 4 stars). 2 submissions from 2 submitters: Uncertain significance (2). Last evaluated 2022-09-16.

Conditions:
Severe combined immunodeficiency due to DNA-PKcs deficiency. Also called: IMMUNODEFICIENCY 26 WITH NEUROLOGIC ABNORMALITIES; Immunodeficiency 26 with or without neurologic abnormalities. Identifiers: Orphanet 317425, MedGen C4014833, MONDO:0014423, OMIM 615966.

Allele frequency attached by ClinVar (database versions not stated): ExAC 0.00003; gnomAD 0.00003 and 0.00004; gnomAD exomes 0.00005; TOPMed 0.00005.
gnomAD v4.1: 49 of 1,577,412 alleles (0.0031%); highest among the groups gnomAD compares: Admixed American, 0.011%; no homozygotes.

Submissions (2):

Blueprint Genetics
Classification: Uncertain significance. Last evaluated: 2022-09-16. Review status: criteria provided, single submitter. Criteria: ACMG Guidelines, 2015. Collection method: clinical testing. Allele origin: germline.

Labcorp Genetics (formerly Invitae), Labcorp
Classification: Uncertain significance for Severe combined immunodeficiency due to DNA-PKcs deficiency. Last evaluated: 2022-05-27. Review status: criteria provided, single submitter. Criteria: Invitae Variant Classification Sherloc (09022015). Collection method: clinical testing. Allele origin: germline.
Comment: This sequence change replaces arginine, which is basic and polar, with glutamine, which is neutral and polar, at codon 3759 of the PRKDC protein (p.Arg3759Gln). This variant is present in population databases (rs745385113, gnomAD 0.02%). This variant has not been reported in the literature in individuals affected with PRKDC-related conditions. ClinVar contains an entry for this variant (Variation ID: 659902). In summary, the available evidence is currently insufficient to determine the role of this variant in disease. Therefore, it has been classified as a Variant of Uncertain Significance.